The following is an entry in ClinVar:

NM_000088.4(COL1A1):c.278C>G (p.Pro93Arg)

Gene: COL1A1 (collagen type I alpha 1 chain; minus strand). Cytogenetic location: 17q21.33.
Variant type: single nucleotide variant.
Coding change: c.278C>G on transcript NM_000088.4 (MANE Select); coding-DNA position 278, C replaced by G.
Protein change: p.Pro93Arg; replaces proline 93 with arginine.
Molecular consequence: missense variant.
Genome position (GRCh38, 1-based): chr17:50,199,773, G>C on the plus strand (C>G on the coding strand, the complement: COL1A1 is on the minus strand). VCF-style: chr17-50199773-G-C. GRCh37 (hg19) VCF-style: chr17-48277134-G-C.
Other names: short protein forms P93R.
Identifiers: ClinVar variation 2732633 (VCV002732633.4), dbSNP rs2509258201, ClinGen allele CA400228058.

ClinVar aggregate classification (germline): Uncertain significance. Review status: criteria provided, multiple submitters, no conflicts (2 of 4 stars). 2 submissions from 2 submitters: Uncertain significance (2). Last evaluated 2026-07-31.

Conditions:
Osteogenesis imperfecta type I (OI1). Also called: Osteogenesis imperfecta type 1; Lobstein's Disease; Lobstein disease; OI, TYPE I; OSTEOGENESIS IMPERFECTA TARDA; OSTEOGENESIS IMPERFECTA WITH BLUE SCLERAE. Identifiers: Orphanet 216796, Orphanet 666, MedGen C0023931, MONDO:0008146, OMIM 166200. Disease mechanism: loss of function.
Cardiovascular phenotype. Identifiers: MedGen CN230736.

Allele frequency attached by ClinVar (database versions not stated): gnomAD exomes below 0.00001.

Submissions (2):

Ambry Genetics
Classification: Uncertain significance for Cardiovascular phenotype. Last evaluated: 2026-07-31. Review status: criteria provided, single submitter. Criteria: Ambry Variant Classification Scheme 2023. Collection method: clinical testing. Allele origin: germline.
Comment: The p.P93R variant (also known as c.278C>G), located in coding exon 2 of the COL1A1 gene, results from a C to G substitution at nucleotide position 278. The proline at codon 93 is replaced by arginine, an amino acid with dissimilar properties. This amino acid position is conserved. In addition, the in silico prediction for this alteration is inconclusive. Based on the available evidence, the clinical significance of this variant remains unclear.

Labcorp Genetics (formerly Invitae), Labcorp
Classification: Uncertain significance for Osteogenesis imperfecta type I. Last evaluated: 2023-11-19. Review status: criteria provided, single submitter. Criteria: Invitae Variant Classification Sherloc (09022015). Collection method: clinical testing. Allele origin: germline.
Comment: This sequence change replaces proline, which is neutral and non-polar, with arginine, which is basic and polar, at codon 93 of the COL1A1 protein (p.Pro93Arg). This variant is not present in population databases (gnomAD no frequency). This variant has not been reported in the literature in individuals affected with COL1A1-related conditions. Advanced modeling of protein sequence and biophysical properties (such as structural, functional, and spatial information, amino acid conservation, physicochemical variation, residue mobility, and thermodynamic stability) has been performed at Invitae for this missense variant, however the output from this modeling did not meet the statistical confidence thresholds required to predict the impact of this variant on COL1A1 protein function. In summary, the available evidence is currently insufficient to determine the role of this variant in disease. Therefore, it has been classified as a Variant of Uncertain Significance.